The following is an entry in ClinVar:

NM_006978.3(RNF113A):c.445G>A (p.Asp149Asn)

Gene: RNF113A (ring finger protein 113A; minus strand). Cytogenetic location: Xq24.
Variant type: single nucleotide variant.
Coding change: c.445G>A on transcript NM_006978.3 (MANE Select); coding-DNA position 445, G replaced by A.
Protein change: p.Asp149Asn; replaces aspartic acid 149 with asparagine.
Molecular consequence: missense variant.
Genome position (GRCh38, 1-based): chrX:119,871,169, C>T on the plus strand (G>A on the coding strand, the complement: RNF113A is on the minus strand). VCF-style: chrX-119871169-C-T. GRCh37 (hg19) VCF-style: chrX-119005132-C-T.
Other names: short protein forms D149N.
Identifiers: ClinVar variation 2988126 (VCV002988126.3), dbSNP rs370170271, ClinGen allele CA334110118.
Genomic context (GRCh38, chrX:119,871,169, plus strand): 5'-ACGTATCCTTGGGCTTCATGTATTTCTGATAATTGTTGATTCCCCGATAGATCTTGTCAT[C>T]CTCCTTGCCCCTCAGCTCCTCCTGGATCTTCTGGCTGCGCTCAAAGATGGCTTGTGCATC-3'
Protein context (NP_008909.1, residues 139-159): KIQEELRGKE[Asp149Asn]DKIYRGINNY

ClinVar aggregate classification (germline): Uncertain significance (1 of 4 stars; one submission).

Allele frequency attached by ClinVar (database versions not stated): TOPMed 0.00001; ESP Exome Variant Server 0.00009.
gnomAD v4.1: 12 of 1,210,622 alleles (0.00099%); highest among the groups gnomAD compares: Non-Finnish European, 0.0013%; no homozygotes.

Submission:

Labcorp Genetics (formerly Invitae), Labcorp
Classification: Uncertain significance. Last evaluated: 2022-11-02. Review status: criteria provided, single submitter. Criteria: Invitae Variant Classification Sherloc (09022015). Collection method: clinical testing. Allele origin: germline.
Comment: In summary, the available evidence is currently insufficient to determine the role of this variant in disease. Therefore, it has been classified as a Variant of Uncertain Significance. Advanced modeling of protein sequence and biophysical properties (such as structural, functional, and spatial information, amino acid conservation, physicochemical variation, residue mobility, and thermodynamic stability) has been performed at Invitae for this missense variant, however the output from this modeling did not meet the statistical confidence thresholds required to predict the impact of this variant on RNF113A protein function. This variant has not been reported in the literature in individuals affected with RNF113A-related conditions. This variant is not present in population databases (gnomAD no frequency). This sequence change replaces aspartic acid, which is acidic and polar, with asparagine, which is neutral and polar, at codon 149 of the RNF113A protein (p.Asp149Asn).